The following is an entry in ClinVar:

ClinVar aggregate classification (germline): Uncertain significance (1 of 4 stars; one submission).

Conditions:
Cardiomyopathy (CMYO). Also called: Cardiomyopathies. Identifiers: Orphanet 167848, MedGen C0878544, MONDO:0004994, HP:0001638. Inheritance: Various modes of inheritance.

Submission:

Color Diagnostics, LLC DBA Color Health
Classification: Uncertain significance for Cardiomyopathy. Last evaluated: 2024-03-06. Review status: criteria provided, single submitter. Criteria: ACMG Guidelines, 2015. Collection method: clinical testing. Allele origin: germline.
Comment: This missense variant replaces glutamic acid with lysine at codon 4161 of the RYR2 protein. Computational prediction suggests that this variant may have deleterious impact on protein structure and function (internally defined REVEL score threshold >= 0.7, PMID: 27666373). To our knowledge, functional studies have not been reported for this variant. This variant has not been reported in individuals affected with cardiovascular disorders in the literature. This variant has not been identified in the general population by the Genome Aggregation Database (gnomAD). The available evidence is insufficient to determine the role of this variant in disease conclusively. Therefore, this variant is classified as a Variant of Uncertain Significance.

NM_001035.3(RYR2):c.12481G>A (p.Glu4161Lys)

Genes: RYR2 (ryanodine receptor 2; plus strand), LOC126806068 (BRD4-independent group 4 enhancer GRCh37_chr1:237947411-237948610; plus strand). Cytogenetic location: 1q43.
Variant type: single nucleotide variant.
Coding change: c.12481G>A on transcript NM_001035.3 (MANE Select); coding-DNA position 12481, G replaced by A.
Protein change: p.Glu4161Lys; replaces glutamic acid 4161 with lysine.
Molecular consequence: missense variant.
Genome position (GRCh38, 1-based): chr1:237,784,193, G>A. VCF-style: chr1-237784193-G-A. GRCh37 (hg19) VCF-style: chr1-237947493-G-A.
Other names: short protein forms E4161K.
Identifiers: ClinVar variation 2774394 (VCV002774394.2), dbSNP rs1695361671, ClinGen allele CA345413434.